The following is an entry in ClinVar:

ClinVar aggregate classification (germline): Uncertain significance. Review status: criteria provided, multiple submitters, no conflicts (2 of 4 stars). 2 submissions from 2 submitters: Uncertain significance (2). Last evaluated 2026-05-01.

Submissions (2):

Ambry Genetics
Classification: Uncertain significance. Last evaluated: 2026-05-01. Review status: criteria provided, single submitter. Criteria: Ambry Variant Classification Scheme 2023. Collection method: clinical testing. Allele origin: germline.
Comment: The c.2471G>A (p.R824H) alteration is located in exon 15 (coding exon 14) of the ATP2B2 gene. This alteration results from a G to A substitution at nucleotide position 2471, causing the arginine (R) at amino acid position 824 to be replaced by a histidine (H). This variant was not reported in population-based cohorts in the Genome Aggregation Database (gnomAD). This amino acid position is highly conserved in available vertebrate species. This alteration is predicted to be deleterious by in silico analysis. Based on insufficient or conflicting evidence, the clinical significance of this alteration remains unclear.

GeneDx
Classification: Uncertain significance. Last evaluated: 2024-04-30. Review status: criteria provided, single submitter. Criteria: GeneDx Variant Classification Process June 2021. Collection method: clinical testing. Allele origin: germline. Affected: yes.
Comment: Not observed at significant frequency in large population cohorts (gnomAD); In silico analysis supports that this missense variant has a deleterious effect on protein structure/function; Has not been previously published as pathogenic or benign to our knowledge

NM_001001331.4(ATP2B2):c.2606G>A (p.Arg869His)

Gene: ATP2B2 (ATPase plasma membrane Ca2+ transporting 2; minus strand). Cytogenetic location: 3p25.3.
Variant type: single nucleotide variant.
Coding change: c.2606G>A on transcript NM_001001331.4 (MANE Select); coding-DNA position 2606, G replaced by A.
Protein change: p.Arg869His; replaces arginine 869 with histidine.
Molecular consequence: missense variant.
Genome position (GRCh38, 1-based): chr3:10,345,481, C>T on the plus strand (G>A on the coding strand, the complement: ATP2B2 is on the minus strand). VCF-style: chr3-10345481-C-T. GRCh37 (hg19) VCF-style: chr3-10387165-C-T.
Other names: c.2471G>A, p.Arg824His (NM_001330611.3, NM_001353564.1, NM_001363862.1 and 1 more transcripts); short protein forms R824H, R869H.
Identifiers: ClinVar variation 3372950 (VCV003372950.2).